The following is an entry in ClinVar:

ClinVar aggregate classification (germline): Pathogenic (1 of 4 stars; one submission).

Conditions:
Primary hyperoxaluria, type I (HP1). Also called: GLYCOLIC ACIDURIA; HEPATIC AGT DEFICIENCY; OXALOSIS I; Primary hyperoxaluria type 1. Identifiers: Orphanet 416, Orphanet 93598, MedGen C0268164, MONDO:0009823, OMIM 259900. Disease mechanism: loss of function.

Submission:

Myriad Genetics, Inc.
Classification: Pathogenic for Primary hyperoxaluria, type I. Last evaluated: 2025-10-13. Review status: criteria provided, single submitter. Criteria: Myriad Autosomal Dominant, Autosomal Recessive and X-Linked Classification Criteria (2023). Collection method: clinical testing. Allele origin: unknown.
Comment: NM_000030.2(AGXT):c.25dupA(T9Nfs*159) is expected to be pathogenic in the context of primary hyperoxaluria type 1. This variant is predicted to lead to an abnormal or absent protein product due to the creation of a premature termination codon in AGXT, a gene where loss-of-function variants are known to be pathogenic. Please note: this variant was assessed in the context of healthy population screening.

NM_000030.3(AGXT):c.25dup (p.Thr9fs)

Gene: AGXT (alanine--glyoxylate aminotransferase; plus strand). Cytogenetic location: 2q37.3.
Variant type: Duplication.
Coding change: c.25dup on transcript NM_000030.3 (MANE Select); coding-DNA position 25, one base duplicated (A; older notation c.25dupA).
Protein change: p.Thr9fs; shifts the reading frame from threonine 9.
Molecular consequence: frameshift variant.
Genome position (GRCh38, 1-based): chr2:240,868,890, A duplicated. VCF-style (leftmost placement, unchanged base first): chr2-240868889-G-GA. GRCh37 (hg19) VCF-style: chr2-241808306-G-GA.
Other names: short protein forms T9fs.
Identifiers: ClinVar variation 5015088 (VCV005015088.1).
Genomic context (GRCh38, chr2:240,868,889, plus strand): 5'-AGCCCCAGGTTCCCGAGCGGCAGGTTGGGTGCGGACCATGGCCTCTCACAAGCTGCTGGT[G>GA]ACCCCCCCCAAGGCCCTGCTCAAGCCCCTCTCCATCCCCAACCAGCTCCTGCTGGGGCCT-3'